The following is an entry in ClinVar:

NM_172245.4(CSF2RA):c.1043+1G>A

Gene: CSF2RA (colony stimulating factor 2 receptor subunit alpha; plus strand). Cytogenetic location: Xp22.33.
Variant type: single nucleotide variant.
Coding change: c.1043+1G>A on transcript NM_172245.4 (MANE Select); the canonical splice donor site of the intron after coding-DNA position 1043, G replaced by A.
Molecular consequence: splice donor variant. On other transcripts: intron variant (7).
Genome position (GRCh38, 1-based): chrX:1,304,020, G>A. VCF-style: chrX-1304020-G-A. GRCh37 (hg19) VCF-style: chrX-1422913-G-A.
Other names: c.1043+1G>A (NM_001379163.1, NM_001379159.1, NM_001379162.1 and 9 more transcripts); c.947-1426G>A (NM_001379167.1, NM_001379169.1, NM_172247.3 and 1 more transcripts); c.1145+1G>A (NM_001379154.1, NM_001161530.2, NM_001379153.1); c.946+3394G>A (NM_172246.4); c.647-1426G>A (NM_172249.4); c.1013+1G>A (NM_001379160.1); c.855-1426G>A (NM_001379166.1); c.644+1G>A (NM_001161532.2).
Identifiers: ClinVar variation 2189920 (VCV002189920.4), dbSNP rs142796603, ClinGen allele CA10331149.
Genomic context (GRCh38, chrX:1,304,020, plus strand): 5'-TGTGCTCCTAATCGTGGGAACCCTTGTCTGTGGCATCGTCCTCGGCTTCCTCTTTAAAAG[G>A]TAACCTGTGAAACACCTGGGCCTCCCCAATGAAAACAGGCCAGGCCGGGAGGAAAGCGCT-3'

ClinVar aggregate classification (germline): Likely pathogenic (1 of 4 stars; one submission).

Conditions:
Surfactant metabolism dysfunction, pulmonary, 4 (SMDP4). Also called: CSF2RA DEFICIENCY; PULMONARY ALVEOLAR PROTEINOSIS, CONGENITAL, 4; PAP DUE TO CSF2RA DEFICIENCY. Identifiers: Orphanet 264675, MedGen C2677877, MONDO:0010424, OMIM 300770.

Allele frequency attached by ClinVar (database versions not stated): ExAC 0.00001; gnomAD 0.00004; TOPMed 0.00006; ESP Exome Variant Server 0.00008.
gnomAD v4.1: 6 of 1,611,762 alleles (0.00037%); highest among the groups gnomAD compares: African/African-American, 0.0081%; no homozygotes.

Submission:

Labcorp Genetics (formerly Invitae), Labcorp
Classification: Likely pathogenic for Surfactant metabolism dysfunction, pulmonary, 4. Last evaluated: 2025-04-28. Review status: criteria provided, single submitter. Criteria: Invitae Variant Classification Sherloc (09022015). Collection method: clinical testing. Allele origin: germline.
Comment: This sequence change affects a donor splice site in intron 11 of the CSF2RA gene. It is expected to disrupt RNA splicing. Variants that disrupt the donor or acceptor splice site typically lead to a loss of protein function (PMID: 16199547), and loss-of-function variants in CSF2RA are known to be pathogenic (PMID: 20622029, 25425184). This variant is not present in population databases (gnomAD no frequency). This variant has not been reported in the literature in individuals affected with CSF2RA-related conditions. ClinVar contains an entry for this variant (Variation ID: 2189920). Algorithms developed to predict the effect of sequence changes on RNA splicing suggest that this variant may disrupt the consensus splice site. In summary, the currently available evidence indicates that the variant is pathogenic, but additional data are needed to prove that conclusively. Therefore, this variant has been classified as Likely Pathogenic.

Literature cited by the submitters: PubMed 16199547; PubMed 20622029; PubMed 25425184.